The following is an entry in ClinVar:

NM_001394062.1(MACF1):c.15173T>A (p.Val5058Glu)

Gene: MACF1 (microtubule actin crosslinking factor 1; plus strand). Cytogenetic location: 1p34.3.
Variant type: single nucleotide variant.
Coding change: c.15173T>A on transcript NM_001394062.1 (MANE Select); coding-DNA position 15173, T replaced by A.
Protein change: p.Val5058Glu; replaces valine 5058 with glutamic acid.
Molecular consequence: missense variant.
Genome position (GRCh38, 1-based): chr1:39,388,015, T>A. VCF-style: chr1-39388015-T-A. GRCh37 (hg19) VCF-style: chr1-39853687-T-A.
Other names: c.8987T>A, p.Val2996Glu (NM_012090.5); short protein forms V2996E, V5058E.
Identifiers: ClinVar variation 1583645 (VCV001583645.29), dbSNP rs151273405, ClinGen allele CA782355.

ClinVar aggregate classification (germline): Likely benign. Review status: criteria provided, multiple submitters, no conflicts (2 of 4 stars). 4 submissions from 4 submitters: Likely benign (3). 1 of the submissions does not count toward it. Last evaluated 2026-02-02.

Conditions:
MACF1-related disorder. Also called: MACF1-related condition.

Allele frequency attached by ClinVar (database versions not stated): 1000 Genomes Project 30x 0.00047; 1000 Genomes Project 0.00060; TOPMed 0.00062; gnomAD 0.00067 and 0.00068; ESP Exome Variant Server 0.00069; ExAC 0.00081; gnomAD exomes 0.00085 and 0.00090.
gnomAD v4.1: 1,424 of 1,614,084 alleles (0.088%); highest among the groups gnomAD compares: Non-Finnish European, 0.1%; 3 homozygotes.

Submissions (4):

Labcorp Genetics (formerly Invitae), Labcorp
Classification: Likely benign. Last evaluated: 2026-02-02. Review status: criteria provided, single submitter. Criteria: Invitae Variant Classification Sherloc (09022015). Collection method: clinical testing. Allele origin: germline.

CeGaT Center for Human Genetics Tuebingen
Classification: Likely benign. Last evaluated: 2025-07-01. Review status: criteria provided, single submitter. Criteria: CeGaT Center For Human Genetics Tuebingen Variant Classification Criteria Version 2. Collection method: clinical testing. Allele origin: germline. Affected: yes. Observed: 2 variant alleles.
Comment: MACF1: BP4, BS1

Blueprint Genetics
Classification: Likely benign. Last evaluated: 2024-11-19. Review status: criteria provided, single submitter. Criteria: ACMG Guidelines, 2015. Collection method: clinical testing. Allele origin: germline.

PreventionGenetics, part of Exact Sciences
Classification: Likely benign for MACF1-related condition. Last evaluated: 2021-04-15. Review status: no assertion criteria provided. Collection method: clinical testing. Allele origin: germline. Not counted in ClinVar's aggregate classification.
Comment: This variant is classified as likely benign based on ACMG/AMP sequence variant interpretation guidelines (Richards et al. 2015 PMID: 25741868, with internal and published modifications).